The following is an entry in ClinVar:

ClinVar aggregate classification (germline): Uncertain significance (1 of 4 stars; one submission).

Submission:

Women's Health and Genetics/Laboratory Corporation of America, LabCorp
Classification: Uncertain significance. Last evaluated: 2024-10-01. Review status: criteria provided, single submitter. Criteria: LabCorp Variant Classification Summary - May 2015. Collection method: clinical testing. Allele origin: germline.
Comment: Variant summary: SHANK2 c.1388C>T (p.Ala463Val), also called p.Ala513Val/p.Ala143Val/p.Ala133Val in other transcripts, results in a non-conservative amino acid change in the encoded protein sequence. Two of four in-silico tools predict a benign effect of the variant on protein function. The variant allele was found at a frequency of 3.2e-05 in 154268 control chromosomes. The available data on variant occurrences in the general population are insufficient to allow any conclusion about variant significance. To our knowledge, no occurrence of c.1388C>T in individuals affected with Autism, Susceptibility To, 17 and no experimental evidence demonstrating its impact on protein function have been reported. No submitters have cited clinical-significance assessments for this variant to ClinVar. Based on the evidence outlined above, the variant was classified as uncertain significance.

NM_012309.5(SHANK2):c.1388C>T (p.Thr463Ile)

Gene: SHANK2 (SH3 and multiple ankyrin repeat domains 2; minus strand). Cytogenetic location: 11q13.4.
Variant type: single nucleotide variant.
Coding change: c.1388C>T on transcript NM_012309.5 (MANE Select); coding-DNA position 1388, C replaced by T.
Protein change: p.Thr463Ile; replaces threonine 463 with isoleucine.
Molecular consequence: missense variant.
Genome position (GRCh38, 1-based): chr11:70,820,469, G>A on the plus strand (C>T on the coding strand, the complement: SHANK2 is on the minus strand). VCF-style: chr11-70820469-G-A. GRCh37 (hg19) VCF-style: chr11-70666574-G-A.
Other names: c.251C>T, p.Thr84Ile (NM_001379226.1); short protein forms T463I, T84I.
Identifiers: ClinVar variation 3385008 (VCV003385008.1).